The following is an entry in ClinVar:

NM_000268.4(NF2):c.937G>A (p.Ala313Thr)

Gene: NF2 (NF2, moesin-ezrin-radixin like (MERLIN) tumor suppressor; plus strand). Cytogenetic location: 22q12.2.
Variant type: single nucleotide variant.
Coding change: c.937G>A on transcript NM_000268.4 (MANE Select); coding-DNA position 937, G replaced by A.
Protein change: p.Ala313Thr; replaces alanine 313 with threonine.
Molecular consequence: missense variant. On other transcripts: non-coding transcript variant (1), intron variant (1).
Genome position (GRCh38, 1-based): chr22:29,668,384, G>A. VCF-style: chr22-29668384-G-A. GRCh37 (hg19) VCF-style: chr22-30064373-G-A.
Other names: c.823G>A, p.Ala275Thr (NM_001407053.1, NM_001407056.1); c.814G>A, p.Ala272Thr (NM_001407054.1, NM_001407058.1, NM_181829.3); c.811G>A, p.Ala271Thr (NM_001407055.1, NM_181828.3); c.802G>A, p.Ala268Thr (NM_001407057.1, NM_001407059.1); c.937G>A, p.Ala313Thr (NM_001407060.1, NM_001407066.1, NM_016418.5 and 2 more transcripts); c.679G>A, p.Ala227Thr (NM_001407062.1); c.688G>A, p.Ala230Thr (NM_001407063.1, NM_001407064.1, NM_181830.3 and 1 more transcripts); c.403G>A, p.Ala135Thr (NM_001407065.1); and 2 more; short protein forms A135T, A272T, A236T, A271T, A227T, A268T, A230T, A275T.
Identifiers: ClinVar variation 2964184 (VCV002964184.3), dbSNP rs2147052301, ClinGen allele CA411145819.
Genomic context (GRCh38, chr22:29,668,384, plus strand): 5'-TGGCCACAGATTCTCCAGCTATGTATCGGGAACCATGATCTATTTATGAGGAGAAGGAAA[G>A]CCGATTCTTTGGAAGTTCAGCAGATGAAAGCCCAGGCCAGGGAGGAGAAGGCTAGAAAGC-3'
Protein context (NP_000259.1, residues 303-323): NHDLFMRRRK[Ala313Thr]DSLEVQQMKA

ClinVar aggregate classification (germline): Uncertain significance (1 of 4 stars; one submission).

Conditions:
Neurofibromatosis, type 2 (SWNV). Also called: NF2-Related Schwannomatosis; BILATERAL ACOUSTIC NEUROFIBROMATOSIS; SCHWANNOMATOSIS, VESTIBULAR. Identifiers: Orphanet 637, MedGen C0027832, MONDO:0007039, OMIM 101000. Disease mechanism: loss of function.

Allele frequency attached by ClinVar (database versions not stated): gnomAD exomes below 0.00001.

Submission:

Labcorp Genetics (formerly Invitae), Labcorp
Classification: Uncertain significance for Neurofibromatosis, type 2. Last evaluated: 2024-12-26. Review status: criteria provided, single submitter. Criteria: Invitae Variant Classification Sherloc (09022015). Collection method: clinical testing. Allele origin: germline.
Comment: This sequence change replaces alanine, which is neutral and non-polar, with threonine, which is neutral and polar, at codon 313 of the NF2 protein (p.Ala313Thr). This variant is not present in population databases (gnomAD no frequency). This variant has not been reported in the literature in individuals affected with NF2-related conditions. ClinVar contains an entry for this variant (Variation ID: 2964184). Invitae Evidence Modeling of protein sequence and biophysical properties (such as structural, functional, and spatial information, amino acid conservation, physicochemical variation, residue mobility, and thermodynamic stability) indicates that this missense variant is not expected to disrupt NF2 protein function with a negative predictive value of 80%. In summary, the available evidence is currently insufficient to determine the role of this variant in disease. Therefore, it has been classified as a Variant of Uncertain Significance.